The following is an entry in ClinVar:

NM_001039876.3(SYNE4):c.828_829del (p.Cys276fs)

Gene: SYNE4 (spectrin repeat containing nuclear envelope family member 4; minus strand). Cytogenetic location: 19q13.12.
Variant type: Microsatellite.
Coding change: c.828_829del on transcript NM_001039876.3 (MANE Select); coding-DNA positions 828 to 829, 2 bases deleted (TG; older notation c.828_829delTG).
Protein change: p.Cys276fs; shifts the reading frame from cysteine 276.
Molecular consequence: frameshift variant.
Genome position (GRCh38, 1-based): chr19:36,006,461-36,006,462, CA deleted on the plus strand (TG on the coding strand, the reverse complement: SYNE4 is on the minus strand); deleting any 2 consecutive bases within chr19:36,006,461-36,006,466 gives the same sequence; the c. name uses the placement nearest the transcript's 3' end. VCF-style (leftmost placement, unchanged base first): chr19-36006460-CCA-C. GRCh37 (hg19) VCF-style: chr19-36497362-CCA-C.
Other names: c.489_490del, p.Cys163fs (NM_001297735.3); short protein forms C163fs, C276fs.
Identifiers: ClinVar variation 2808646 (VCV002808646.3), dbSNP rs924796934, ClinGen allele CA307815623.

ClinVar aggregate classification (germline): Pathogenic (1 of 4 stars; one submission).

Submission:

Labcorp Genetics (formerly Invitae), Labcorp
Classification: Pathogenic. Last evaluated: 2023-03-27. Review status: criteria provided, single submitter. Criteria: Invitae Variant Classification Sherloc (09022015). Collection method: clinical testing. Allele origin: germline.
Comment: For these reasons, this variant has been classified as Pathogenic. This variant has not been reported in the literature in individuals affected with SYNE4-related conditions. This variant is not present in population databases (gnomAD no frequency). This sequence change creates a premature translational stop signal (p.Cys276Trpfs*13) in the SYNE4 gene. It is expected to result in an absent or disrupted protein product. Loss-of-function variants in SYNE4 are known to be pathogenic (PMID: 23348741, 28958982).

Literature cited by the submitters: PubMed 23348741; PubMed 28958982.